The following is an entry in ClinVar:

ClinVar aggregate classification (germline): Likely benign. Review status: criteria provided, multiple submitters, no conflicts (2 of 4 stars). 5 submissions from 5 submitters: Likely benign (5). Last evaluated 2026-05-01.

Allele frequency attached by ClinVar (database versions not stated): 1000 Genomes Project 30x 0.00187; 1000 Genomes Project 0.00220; TOPMed 0.00339; gnomAD 0.00411 and 0.00416; ESP Exome Variant Server 0.00454; gnomAD exomes 0.00492; ExAC 0.00498.
gnomAD v4.1: 8,969 of 1,613,692 alleles (0.56%); highest among the groups gnomAD compares: Non-Finnish European, 0.63%; 31 homozygotes.

Submissions (5):

CeGaT Center for Human Genetics Tuebingen
Classification: Likely benign. Last evaluated: 2026-05-01. Review status: criteria provided, single submitter. Criteria: CeGaT Center For Human Genetics Tuebingen Variant Classification Criteria Version 2. Collection method: clinical testing. Allele origin: germline. Affected: yes. Observed: 6 variant alleles.
Comment: C6: BP4, BS2

Labcorp Genetics (formerly Invitae), Labcorp
Classification: Likely benign. Last evaluated: 2026-02-02. Review status: criteria provided, single submitter. Criteria: Invitae Variant Classification Sherloc (09022015). Collection method: clinical testing. Allele origin: germline.

Women's Health and Genetics/Laboratory Corporation of America, LabCorp
Classification: Likely benign. Last evaluated: 2026-01-29. Review status: criteria provided, single submitter. Criteria: LabCorp Variant Classification Summary - May 2015. Collection method: clinical testing. Allele origin: germline.
Comment: Variant summary: C6 c.1355G>A (p.Gly452Glu) results in a non-conservative amino acid change in the encoded protein sequence. Algorithms developed to predict the effect of missense changes on protein structure and function are either unavailable or do not agree on the potential impact of this missense change. The variant allele was found at a frequency of 0.0049 in 250784 control chromosomes, predominantly at a frequency of 0.0067 within the Non-Finnish European subpopulation in the gnomAD database, including 3 homozygotes. The observed variant frequency within Non-Finnish European control individuals in the gnomAD database exceeds the estimated maximal expected allele frequency for disease-causing variants in C6. To our knowledge, no occurrence of c.1355G>A in individuals affected with C6-related conditions and no experimental evidence demonstrating its impact on protein function have been reported. ClinVar contains an entry for this variant (Variation ID: 770910). Based on the evidence outlined above, the variant was classified as likely benign.

Blueprint Genetics
Classification: Likely benign. Last evaluated: 2024-11-26. Review status: criteria provided, single submitter. Criteria: ACMG Guidelines, 2015. Collection method: clinical testing. Allele origin: germline.

Breakthrough Genomics
Classification: Likely benign. Review status: criteria provided, single submitter. Criteria: ACMG Guidelines, 2015. Collection method: not provided. Allele origin: germline. Inheritance: Autosomal recessive inheritance. Affected: yes.

NM_000065.5(C6):c.1355G>A (p.Gly452Glu)

Gene: C6 (complement C6; minus strand). Cytogenetic location: 5p13.1.
Variant type: single nucleotide variant.
Coding change: c.1355G>A on transcript NM_000065.5 (MANE Select); coding-DNA position 1355, G replaced by A.
Protein change: p.Gly452Glu; replaces glycine 452 with glutamic acid.
Molecular consequence: missense variant.
Genome position (GRCh38, 1-based): chr5:41,161,796, C>T on the plus strand (G>A on the coding strand, the complement: C6 is on the minus strand). VCF-style: chr5-41161796-C-T. GRCh37 (hg19) VCF-style: chr5-41161898-C-T.
Other names: c.1355G>A, p.Gly452Glu (NM_001115131.4); short protein forms G452E.
Identifiers: ClinVar variation 770910 (VCV000770910.35), dbSNP rs142896559, ClinGen allele CA3252488.